The following is an entry in ClinVar:

ClinVar aggregate classification (germline): Uncertain significance (1 of 4 stars; one submission).

Conditions:
Polycystic kidney disease, adult type (PKD1). Also called: Polycystic Kidney, Autosomal Dominant; POLYCYSTIC KIDNEY DISEASE 1 WITH OR WITHOUT POLYCYSTIC LIVER DISEASE; Polycystic Kidney Disease 1, Autosomal Dominant; Polycystic kidney disease 1; Polycystic kidney disease 1, severe; POLYCYSTIC KIDNEY DISEASE, ADULT, TYPE I. Identifiers: MedGen C3149841, MONDO:0008263, OMIM 173900.

Submission:

MVZ Medizinische Genetik Mainz
Classification: Uncertain significance for Polycystic kidney disease, adult type. Last evaluated: 2025-02-20. Review status: criteria provided, single submitter. Criteria: UK Practice Guidelines For Variant Classification V4 01 2020. Collection method: clinical testing. Allele origin: germline. Inheritance: Autosomal dominant inheritance. Affected: yes. Observed: 1 variant allele.
Comment: ACMG Criteria: PS1_MOD,PM2_SUP,PP3,PP4

NM_001009944.3(PKD1):c.9201+5G>C

Gene: PKD1 (polycystin 1, transient receptor potential channel interacting; minus strand). Cytogenetic location: 16p13.3.
Variant type: single nucleotide variant.
Coding change: c.9201+5G>C on transcript NM_001009944.3 (MANE Select); 5 bases into the intron after coding-DNA position 9201, G replaced by C.
Molecular consequence: intron variant.
Genome position (GRCh38, 1-based): chr16:2,102,376, C>G on the plus strand (G>C on the coding strand, the complement: PKD1 is on the minus strand). VCF-style: chr16-2102376-C-G. GRCh37 (hg19) VCF-style: chr16-2152377-C-G.
Other names: c.9201+5G>C (NM_000296.4).
Identifiers: ClinVar variation 3774592 (VCV003774592.1).